The following is an entry in ClinVar:

NM_177438.3(DICER1):c.3525dup (p.Asn1176Ter)

Gene: DICER1 (dicer 1, ribonuclease III; minus strand). Cytogenetic location: 14q32.13.
Variant type: Duplication.
Coding change: c.3525dup on transcript NM_177438.3 (MANE Select); coding-DNA position 3525, one base duplicated (T; older notation c.3525dupT).
Protein change: p.Asn1176Ter; replaces asparagine 1176 with a stop codon.
Molecular consequence: nonsense. On other transcripts: non-coding transcript variant (6).
Genome position (GRCh38, 1-based): chr14:95,103,871, A duplicated on the plus strand (T on the coding strand, the reverse complement: DICER1 is on the minus strand); the first of 2 consecutive A bases (chr14:95,103,871-95,103,872); duplicating either gives the same sequence. VCF-style (leftmost placement, unchanged base first): chr14-95103870-T-TA. GRCh37 (hg19) VCF-style: chr14-95570207-T-TA.
Other names: c.3525dup, p.Asn1176Ter (NM_001195573.1, NM_001271282.3, NM_001291628.2 and 12 more transcripts); c.3243dup, p.Asn1082Ter (NM_001395686.1); c.3120dup, p.Asn1041Ter (NM_001395687.1, NM_001395688.1, NM_001395689.1 and 2 more transcripts); c.2958dup, p.Asn987Ter (NM_001395691.1); c.1842dup, p.Asn615Ter (NM_001395697.1); short protein forms N1041*, N1082*, N1176*, N615*, N987*.
Identifiers: ClinVar variation 3901186 (VCV003901186.2).

ClinVar aggregate classification (germline): Likely pathogenic (1 of 4 stars; one submission).

Conditions:
Pleuropulmonary blastoma (PPB). Identifiers: Orphanet 64742, MedGen C1266144, MONDO:0011014, OMIM 601200, HP:0100528.

Submission:

Institute of Human Genetics, University of Leipzig Medical Center
Classification: Likely pathogenic for Pleuropulmonary blastoma. Last evaluated: 2025-07-07. Review status: criteria provided, single submitter. Criteria: ACMG Guidelines, 2015. Collection method: clinical testing. Allele origin: maternal. Inheritance: Autosomal dominant inheritance. Affected: yes.
Comment: Criteria applied: PVS1,PM2_SUP